The following is an entry in ClinVar:

ClinVar aggregate classification (germline): Uncertain significance (1 of 4 stars; one submission).

Allele frequency attached by ClinVar (database versions not stated): TOPMed below 0.00001; gnomAD exomes below 0.00001.
gnomAD v4.1: 1 of 1,613,232 alleles (0.000062%); highest among the groups gnomAD compares: Non-Finnish European, 0.000085%; no homozygotes.

Submission:

GeneDx
Classification: Uncertain significance. Last evaluated: 2025-09-11. Review status: criteria provided, single submitter. Criteria: GeneDx Variant Classification Process June 2021. Collection method: clinical testing. Allele origin: germline.
Comment: Not observed at significant frequency in large population cohorts (gnomAD); In silico analysis suggests that this missense variant does not alter protein structure/function; Has not been previously published as pathogenic or benign to our knowledge

NM_001292034.3(TAB2):c.1766T>A (p.Leu589His)

Gene: TAB2 (TGF-beta activated kinase 1 (MAP3K7) binding protein 2; plus strand). Cytogenetic location: 6q25.1.
Variant type: single nucleotide variant.
Coding change: c.1766T>A on transcript NM_001292034.3 (MANE Select); coding-DNA position 1766, T replaced by A.
Protein change: p.Leu589His; replaces leucine 589 with histidine.
Molecular consequence: missense variant.
Genome position (GRCh38, 1-based): chr6:149,397,970, T>A. VCF-style: chr6-149397970-T-A. GRCh37 (hg19) VCF-style: chr6-149719106-T-A.
Other names: c.1670T>A, p.Leu557His (NM_001292035.3); c.1766T>A, p.Leu589His (NM_001369506.1, NM_015093.6); short protein forms L557H, L589H.
Identifiers: ClinVar variation 2497770 (VCV002497770.2), dbSNP rs1782232990, ClinGen allele CA366004358.